The following is an entry in ClinVar:

NM_001041.4(SI):c.1660A>G (p.Lys554Glu)

Gene: SI (sucrase-isomaltase; minus strand). Cytogenetic location: 3q26.1.
Variant type: single nucleotide variant.
Coding change: c.1660A>G on transcript NM_001041.4 (MANE Select); coding-DNA position 1660, A replaced by G.
Protein change: p.Lys554Glu; replaces lysine 554 with glutamic acid.
Molecular consequence: missense variant.
Genome position (GRCh38, 1-based): chr3:165,049,182, T>C on the plus strand (A>G on the coding strand, the complement: SI is on the minus strand). VCF-style: chr3-165049182-T-C. GRCh37 (hg19) VCF-style: chr3-164766970-T-C.
Other names: short protein forms K554E.
Identifiers: ClinVar variation 4691468 (VCV004691468.1).
Genomic context (GRCh38, chr3:165,049,182, plus strand): 5'-CTTACTGCTCTGTGGCTATAGCCATGCTGTATCCATAGAGGCTATGAACATCATACTGTT[T>C]ACCCCAGTTCTGCACAGCATCCATGCAAATTGTTTTGGAATACATGAGTTTGTCAAGAAT-3'
Protein context (NP_001032.2, residues 544-564): ICMDAVQNWG[Lys554Glu]QYDVHSLYGY

ClinVar aggregate classification (germline): Uncertain significance (1 of 4 stars; one submission).

gnomAD v4.1: 4 of 1,612,856 alleles (0.00025%); highest among the groups gnomAD compares: Non-Finnish European, 0.00017%; no homozygotes.

Submission:

Labcorp Genetics (formerly Invitae), Labcorp
Classification: Uncertain significance. Last evaluated: 2025-04-14. Review status: criteria provided, single submitter. Criteria: Invitae Variant Classification Sherloc (09022015). Collection method: clinical testing. Allele origin: germline.
Comment: This sequence change replaces lysine, which is basic and polar, with glutamic acid, which is acidic and polar, at codon 554 of the SI protein (p.Lys554Glu). This variant is present in population databases (rs765834653, gnomAD 0.0009%). This variant has not been reported in the literature in individuals affected with SI-related conditions. Invitae Evidence Modeling of protein sequence and biophysical properties (such as structural, functional, and spatial information, amino acid conservation, physicochemical variation, residue mobility, and thermodynamic stability) has been performed for this missense variant. However, the output from this modeling did not meet the statistical confidence thresholds required to predict the impact of this variant on SI protein function. In summary, the available evidence is currently insufficient to determine the role of this variant in disease. Therefore, it has been classified as a Variant of Uncertain Significance.